The following is an entry in ClinVar:

ClinVar aggregate classification (germline): Uncertain significance (1 of 4 stars; one submission).

Conditions:
Autoimmune lymphoproliferative syndrome type 2A (ALPS2A). Also called: Autoimmune lymphoproliferative syndrome type 2; CASP10-Related Autoimmune Lymphoproliferative Syndrome; AUTOIMMUNE LYMPHOPROLIFERATIVE SYNDROME, TYPE IIA. Identifiers: Orphanet 3261, MedGen C1858968, MONDO:0011383, OMIM 603909.

Submission:

Labcorp Genetics (formerly Invitae), Labcorp
Classification: Uncertain significance for Autoimmune lymphoproliferative syndrome type 2A. Last evaluated: 2024-08-08. Review status: criteria provided, single submitter. Criteria: Invitae Variant Classification Sherloc (09022015). Collection method: clinical testing. Allele origin: germline.
Comment: This sequence change replaces alanine, which is neutral and non-polar, with glutamic acid, which is acidic and polar, at codon 154 of the CASP10 protein (p.Ala154Glu). This variant is not present in population databases (gnomAD no frequency). This variant has not been reported in the literature in individuals affected with CASP10-related conditions. Advanced modeling of protein sequence and biophysical properties (such as structural, functional, and spatial information, amino acid conservation, physicochemical variation, residue mobility, and thermodynamic stability) performed at Invitae indicates that this missense variant is not expected to disrupt CASP10 protein function with a negative predictive value of 80%. In summary, the available evidence is currently insufficient to determine the role of this variant in disease. Therefore, it has been classified as a Variant of Uncertain Significance.

NM_032977.4(CASP10):c.461C>A (p.Ala154Glu)

Gene: CASP10 (caspase 10; plus strand). Cytogenetic location: 2q33.1.
Variant type: single nucleotide variant.
Coding change: c.461C>A on transcript NM_032977.4 (MANE Select); coding-DNA position 461, C replaced by A.
Protein change: p.Ala154Glu; replaces alanine 154 with glutamic acid.
Molecular consequence: missense variant.
Genome position (GRCh38, 1-based): chr2:201,193,003, C>A. VCF-style: chr2-201193003-C-A. GRCh37 (hg19) VCF-style: chr2-202057726-C-A.
Other names: c.461C>A, p.Ala154Glu (NM_001206524.2, NM_001206542.2, NM_001230.5 and 3 more transcripts); short protein forms A154E.
Identifiers: ClinVar variation 2927483 (VCV002927483.3), dbSNP rs779113110, ClinGen allele CA350278660.